The following is an entry in ClinVar:

ClinVar aggregate classification (germline): Uncertain significance. Review status: criteria provided, multiple submitters, no conflicts (2 of 4 stars). 3 submissions from 3 submitters: Uncertain significance (3). Last evaluated 2025-06-03.

Conditions:
Thrombocythemia 1 (THCYT1). Also called: THROMBOCYTHEMIA, SOMATIC; THROMBOCYTOSIS 1. Identifiers: MedGen C3277671, MONDO:0008554, OMIM 187950.

Allele frequency attached by ClinVar (database versions not stated): ExAC 0.00001; gnomAD 0.00001; gnomAD exomes 0.00001; TOPMed 0.00001.
gnomAD v4.1: 15 of 1,613,952 alleles (0.00093%); highest among the groups gnomAD compares: Middle Eastern, 0.049%; no homozygotes.

Submissions (3):

Labcorp Genetics (formerly Invitae), Labcorp
Classification: Uncertain significance. Last evaluated: 2025-06-03. Review status: criteria provided, single submitter. Criteria: Invitae Variant Classification Sherloc (09022015). Collection method: clinical testing. Allele origin: germline.
Comment: This sequence change replaces valine, which is neutral and non-polar, with alanine, which is neutral and non-polar, at codon 173 of the THPO protein (p.Val173Ala). This variant is present in population databases (rs768776540, gnomAD 0.003%). This variant has not been reported in the literature in individuals affected with THPO-related conditions. ClinVar contains an entry for this variant (Variation ID: 281426). Invitae Evidence Modeling of protein sequence and biophysical properties (such as structural, functional, and spatial information, amino acid conservation, physicochemical variation, residue mobility, and thermodynamic stability) indicates that this missense variant is not expected to disrupt THPO protein function with a negative predictive value of 80%. In summary, the available evidence is currently insufficient to determine the role of this variant in disease. Therefore, it has been classified as a Variant of Uncertain Significance.

Baylor Genetics
Classification: Uncertain significance for Thrombocythemia 1. Last evaluated: 2019-09-06. Review status: criteria provided, single submitter. Criteria: ACMG Guidelines, 2015. Collection method: clinical testing. Allele origin: unknown. Affected: yes.
Comment: This variant was determined to be of uncertain significance according to ACMG Guidelines, 2015 [PMID:25741868].

Eurofins Ntd Llc (ga)
Classification: Uncertain significance. Last evaluated: 2015-06-15. Review status: criteria provided, single submitter. Criteria: EGL Classification Definitions 2015. Collection method: clinical testing. Allele origin: germline. Observed: 1 variant allele, 1 heterozygote.

NM_000460.4(THPO):c.518T>C (p.Val173Ala)

Gene: THPO (thrombopoietin; minus strand). Cytogenetic location: 3q27.1.
Variant type: single nucleotide variant.
Coding change: c.518T>C on transcript NM_000460.4 (MANE Select); coding-DNA position 518, T replaced by C.
Protein change: p.Val173Ala; replaces valine 173 with alanine.
Molecular consequence: missense variant. On other transcripts: synonymous variant (2), intron variant (2).
Genome position (GRCh38, 1-based): chr3:184,373,057, A>G on the plus strand (T>C on the coding strand, the complement: THPO is on the minus strand). VCF-style: chr3-184373057-A-G. GRCh37 (hg19) VCF-style: chr3-184090845-A-G.
Other names: c.518T>C, p.Val173Ala (LRG_580t1, NM_001289998.1, NM_001290028.1); c.506T>C, p.Val169Ala (NM_001177597.2, NM_001290022.1); c.501T>C, p.Arg167= (NM_001177598.2, NM_001290026.1); c.938T>C, p.Val313Ala (NM_001290003.1); c.477+41T>C (NM_001290027.1, NM_001289997.1); short protein forms V173A, V169A, V313A.
Identifiers: ClinVar variation 281426 (VCV000281426.9), dbSNP rs768776540, ClinGen allele CA2734924.